The following is an entry in ClinVar:

NM_001165963.4(SCN1A):c.3498G>A (p.Gln1166=)

Genes: SCN1A (sodium voltage-gated channel alpha subunit 1; minus strand), LOC102724058 (uncharacterized LOC102724058; plus strand). Cytogenetic location: 2q24.3.
Variant type: single nucleotide variant.
Coding change: c.3498G>A on transcript NM_001165963.4 (MANE Select); coding-DNA position 3498, G replaced by A.
Protein change: p.Gln1166=; no amino-acid change (glutamine 1166 retained).
Molecular consequence: synonymous variant. On other transcripts: non-coding transcript variant (2).
Genome position (GRCh38, 1-based): chr2:166,015,659, C>T on the plus strand (G>A on the coding strand, the complement: SCN1A is on the minus strand). VCF-style: chr2-166015659-C-T. GRCh37 (hg19) VCF-style: chr2-166872169-C-T.
Other names: p.Q1166Q:CAG>CAA; c.3414G>A, p.Gln1138= (NM_001165964.3, NM_001353957.2, NM_001353958.2); c.3498G>A, p.Gln1166= (NM_001202435.3, NM_001353948.2); c.3465G>A, p.Gln1155= (NM_001353949.2, NM_001353950.2, NM_001353951.2 and 2 more transcripts); c.3462G>A, p.Gln1154= (NM_001353954.2, NM_001353955.2); c.3411G>A, p.Gln1137= (NM_001353960.2); c.1056G>A, p.Gln352= (NM_001353961.2).
Identifiers: ClinVar variation 138977 (VCV000138977.13), dbSNP rs145410000, ClinGen allele CA293171.
Genomic context (GRCh38, chr2:166,015,659, plus strand): 5'-TTCTTTACCTTCAGTGAAACAAGCTTCTGGTTCAAGAGTTTCTTCAGGTTCCACTACGGG[C>T]TGTTCTTCTACAGGTGCGCCGATGTCCACAGTGCTACCTTCTGATGAGCTACTGCTTTCA-3'
Protein context (NP_001159435.1, residues 1156-1176): TVDIGAPVEE[Gln1166=]PVVEPEETLE

ClinVar aggregate classification (germline): Conflicting classifications of pathogenicity. Review status: criteria provided, conflicting classifications (1 of 4 stars). 4 submissions from 3 submitters: Uncertain significance (1); Benign (1); Likely benign (2). Last evaluated 2025-12-13.

Conditions:
Early-infantile DEE. Also called: Early infantile epileptic encephalopathy; Ohtahara syndrome; Early infantile epileptic encephalopathy with suppression bursts. Identifiers: Orphanet 1934, MedGen C0393706, MONDO:0800491.
Generalized epilepsy with febrile seizures plus, type 2 (GEFSP2). Also called: GEFS+, TYPE 2. Identifiers: Orphanet 36387, MedGen C1858673, MONDO:0011461, OMIM 604403.
Migraine, familial hemiplegic, 3. Identifiers: Orphanet 569, MedGen C1864987, MONDO:0012320, OMIM 609634.

Allele frequency attached by ClinVar (database versions not stated): gnomAD exomes 0.00001 and 0.00003; ExAC 0.00004; ESP Exome Variant Server 0.00008; gnomAD 0.00011 and 0.00012; TOPMed 0.00025; 1000 Genomes Project 30x 0.00031; 1000 Genomes Project 0.00040.
gnomAD v4.1: 39 of 1,612,948 alleles (0.0024%); highest among the groups gnomAD compares: Admixed American, 0.023%; no homozygotes.

Submissions (4):

Labcorp Genetics (formerly Invitae), Labcorp
Classification: Likely benign for Early-infantile DEE. Last evaluated: 2025-12-13. Review status: criteria provided, single submitter. Criteria: Invitae Variant Classification Sherloc (09022015). Collection method: clinical testing. Allele origin: germline.

Illumina Laboratory Services, Illumina
Classification: Likely benign for Migraine, familial hemiplegic, 3. Last evaluated: 2018-01-12. Review status: criteria provided, single submitter. Criteria: ICSL Variant Classification Criteria 13 December 2019. Collection method: clinical testing. Allele origin: germline.
Comment: This variant was observed in the ICSL laboratory as part of a predisposition screen in an ostensibly healthy population. It had not been previously curated by ICSL or reported in the Human Gene Mutation Database (HGMD: prior to June 1st, 2018), and was therefore a candidate for classification through an automated scoring system. Utilizing variant allele frequency, disease prevalence and penetrance estimates, and inheritance mode, an automated score was calculated to assess if this variant is too frequent to cause the disease. Based on the score and internal cut-off values, a variant classified as likely benign is not then subjected to further curation. The score for this variant resulted in a classification of likely benign for this disease.

Illumina Laboratory Services, Illumina
Classification: Uncertain significance for Generalized epilepsy with febrile seizures plus, type 2. Last evaluated: 2018-01-12. Review status: criteria provided, single submitter. Criteria: ICSL Variant Classification Criteria 13 December 2019. Collection method: clinical testing. Allele origin: germline.

GeneDx
Classification: Benign. Last evaluated: 2014-05-07. Review status: criteria provided, single submitter. Criteria: GeneDx Variant Classification (06012015). Collection method: clinical testing. Allele origin: germline. Affected: yes.
Comment: This variant is considered likely benign or benign based on one or more of the following criteria: it is a conservative change, it occurs at a poorly conserved position in the protein, it is predicted to be benign by multiple in silico algorithms, and/or has population frequency not consistent with disease.